The following is an entry in ClinVar:

ClinVar aggregate classification (germline): Uncertain significance (1 of 4 stars; one submission).

gnomAD v4.1: 1 of 1,613,878 alleles (0.000062%); highest among the groups gnomAD compares: East Asian, 0.0022%; no homozygotes.

Submission:

GeneDx
Classification: Uncertain significance. Last evaluated: 2024-05-28. Review status: criteria provided, single submitter. Criteria: GeneDx Variant Classification Process June 2021. Collection method: clinical testing. Allele origin: germline. Affected: yes.
Comment: Not observed at significant frequency in large population cohorts (gnomAD); In silico analysis supports that this missense variant has a deleterious effect on protein structure/function; Has not been previously published as pathogenic or benign to our knowledge

NM_014915.3(ANKRD26):c.2086G>A (p.Glu696Lys)

Gene: ANKRD26 (ankyrin repeat domain containing 26; minus strand). Cytogenetic location: 10p12.1.
Variant type: single nucleotide variant.
Coding change: c.2086G>A on transcript NM_014915.3 (MANE Select); coding-DNA position 2086, G replaced by A.
Protein change: p.Glu696Lys; replaces glutamic acid 696 with lysine.
Molecular consequence: missense variant.
Genome position (GRCh38, 1-based): chr10:27,043,501, C>T on the plus strand (G>A on the coding strand, the complement: ANKRD26 is on the minus strand). VCF-style: chr10-27043501-C-T. GRCh37 (hg19) VCF-style: chr10-27332430-C-T.
Other names: c.2083G>A, p.Glu695Lys (NM_001256053.2); short protein forms E695K, E696K.
Identifiers: ClinVar variation 3383609 (VCV003383609.1).